The following is an entry in ClinVar:

ClinVar aggregate classification (germline): Likely benign. Review status: criteria provided, multiple submitters, no conflicts (2 of 4 stars). 3 submissions from 3 submitters: Likely benign (3). Last evaluated 2025-02-03.

Conditions:
Hereditary nonpolyposis colorectal neoplasms. Identifiers: MedGen C0009405, MeSH D003123.
Lynch syndrome 4 (LYNCH4). Also called: Colorectal cancer, hereditary nonpolyposis, type 4; Hereditary non-polyposis colorectal cancer, type 4. Identifiers: Orphanet 144, MedGen C1838333, MONDO:0013699, OMIM 614337. Disease mechanism: loss of function.

gnomAD v4.1: 5 of 1,592,600 alleles (0.00031%); highest among the groups gnomAD compares: Non-Finnish European, 0.00034%; no homozygotes.

Submissions (3):

Myriad Genetics, Inc.
Classification: Likely benign for Lynch syndrome 4. Last evaluated: 2025-02-03. Review status: criteria provided, single submitter. Criteria: Myriad Autosomal Dominant, Autosomal Recessive and X-Linked Classification Criteria (2023). Collection method: clinical testing. Allele origin: unknown.
Comment: This variant is considered likely benign. This variant is intronic and is not expected to impact mRNA splicing.

Blueprint Genetics
Classification: Likely benign. Last evaluated: 2024-11-26. Review status: criteria provided, single submitter. Criteria: ACMG Guidelines, 2015. Collection method: clinical testing. Allele origin: germline.

Labcorp Genetics (formerly Invitae), Labcorp
Classification: Likely benign for Hereditary nonpolyposis colorectal neoplasms. Last evaluated: 2024-08-19. Review status: criteria provided, single submitter. Criteria: Invitae Variant Classification Sherloc (09022015). Collection method: clinical testing. Allele origin: germline.

NM_000535.7(PMS2):c.2276-18A>C

Gene: PMS2 (PMS1 homolog 2, mismatch repair system component; minus strand). Cytogenetic location: 7p22.1.
Variant type: single nucleotide variant.
Coding change: c.2276-18A>C on transcript NM_000535.7 (MANE Select); 18 bases into the intron before coding-DNA position 2276, A replaced by C.
Molecular consequence: intron variant. On other transcripts: missense variant (7).
Genome position (GRCh38, 1-based): chr7:5,977,775, T>G on the plus strand (A>C on the coding strand, the complement: PMS2 is on the minus strand). VCF-style: chr7-5977775-T-G. GRCh37 (hg19) VCF-style: chr7-6017406-T-G.
Other names: c.1886A>C, p.Gln629Pro (NM_001322009.2, NM_001406887.1, NM_001406888.1); c.2291A>C, p.Gln764Pro (NM_001322014.2); c.2135A>C, p.Gln712Pro (NM_001406870.1); c.1982A>C, p.Gln661Pro (NM_001406875.1); c.1973A>C, p.Gln658Pro (NM_001406876.1); c.1958-18A>C (NM_001322008.2, NM_001406883.1, NM_001322007.2); c.1967-18A>C (NM_001406881.1, NM_001406879.1, NM_001322015.2 and 4 more transcripts); c.1871-18A>C (NM_001406895.1, NM_001322004.2, NM_001406889.1 and 11 more transcripts); and 20 more; short protein forms Q661P, Q658P, Q629P, Q712P, Q764P.
Identifiers: ClinVar variation 3630967 (VCV003630967.4).